The following is an entry in ClinVar:

ClinVar aggregate classification (germline): Uncertain significance (1 of 4 stars; one submission).

Submission:

New York Genome Center
Classification: Uncertain significance. Last evaluated: 2021-07-20. Review status: criteria provided, single submitter. Criteria: NYGC Assertion Criteria 2020. Collection method: clinical testing. Allele origin: inherited. Observed: 1 heterozygote. Study: CSER-NYCKidSeq.
Comment: The c.2436C>G (p.Phe812Leu) variant in exon 7 of 7 of NLGN2 has not been reported in affected individuals in the available literature. This variant is absent in gnomAD v3 indicating it is not a common benign variant in the populations represented in this database. In silico predictors suggest this variant is Benign (REVELscore: 0.085) and Damaging (SIFT score: 0.009). Given the current evidence regarding its pathogenicity, the c.2436C>G (p.Phe812Leu) variant identified in the NLGN2 gene is classified as a Variant of uncertain significance.

NM_020795.4(NLGN2):c.2436C>G (p.Phe812Leu)

Gene: NLGN2 (neuroligin 2; plus strand). Cytogenetic location: 17p13.1.
Variant type: single nucleotide variant.
Coding change: c.2436C>G on transcript NM_020795.4 (MANE Select); coding-DNA position 2436, C replaced by G.
Protein change: p.Phe812Leu; replaces phenylalanine 812 with leucine.
Molecular consequence: missense variant.
Genome position (GRCh38, 1-based): chr17:7,417,727, C>G. VCF-style: chr17-7417727-C-G. GRCh37 (hg19) VCF-style: chr17-7321046-C-G.
Other names: short protein forms F812L.
Identifiers: ClinVar variation 1679726 (VCV001679726.1), dbSNP rs1907191482, ClinGen allele CA397836483.